The following is an entry in ClinVar:

NM_001135651.3(EIF2AK2):c.952G>A (p.Val318Ile)

Gene: EIF2AK2 (eukaryotic translation initiation factor 2 alpha kinase 2; minus strand). Cytogenetic location: 2p22.2.
Variant type: single nucleotide variant.
Coding change: c.952G>A on transcript NM_001135651.3 (MANE Select); coding-DNA position 952, G replaced by A.
Protein change: p.Val318Ile; replaces valine 318 with isoleucine.
Molecular consequence: missense variant.
Genome position (GRCh38, 1-based): chr2:37,122,621, C>T on the plus strand (G>A on the coding strand, the complement: EIF2AK2 is on the minus strand). VCF-style: chr2-37122621-C-T. GRCh37 (hg19) VCF-style: chr2-37349764-C-T.
Other names: c.829G>A, p.Val277Ile (NM_001135652.3); c.952G>A, p.Val318Ile (NM_002759.4); short protein forms V318I, V277I.
Identifiers: ClinVar variation 2526852 (VCV002526852.4), dbSNP rs1241155849, ClinGen allele CA346307983.

ClinVar aggregate classification (germline): Uncertain significance. Review status: criteria provided, multiple submitters, no conflicts (2 of 4 stars). 2 submissions from 2 submitters: Uncertain significance (2). Last evaluated 2024-06-09.

Conditions:
Inborn genetic diseases. Identifiers: MedGen C0950123, MeSH D030342.

Allele frequency attached by ClinVar (database versions not stated): gnomAD 0.00002; TOPMed 0.00002.
gnomAD v4.1: 13 of 1,614,058 alleles (0.00081%); highest among the groups gnomAD compares: Non-Finnish European, 0.001%; no homozygotes.

Submissions (2):

Labcorp Genetics (formerly Invitae), Labcorp
Classification: Uncertain significance. Last evaluated: 2024-06-09. Review status: criteria provided, single submitter. Criteria: Invitae Variant Classification Sherloc (09022015). Collection method: clinical testing. Allele origin: germline.
Comment: This sequence change replaces valine, which is neutral and non-polar, with isoleucine, which is neutral and non-polar, at codon 318 of the EIF2AK2 protein (p.Val318Ile). This variant is present in population databases (no rsID available, gnomAD 0.002%). This variant has not been reported in the literature in individuals affected with EIF2AK2-related conditions. ClinVar contains an entry for this variant (Variation ID: 2526852). Algorithms developed to predict the effect of missense changes on protein structure and function output the following: SIFT: "Not Available"; PolyPhen-2: "Benign"; Align-GVGD: "Not Available". The isoleucine amino acid residue is found in multiple mammalian species, which suggests that this missense change does not adversely affect protein function. In summary, the available evidence is currently insufficient to determine the role of this variant in disease. Therefore, it has been classified as a Variant of Uncertain Significance.

Ambry Genetics
Classification: Uncertain significance for Inborn genetic diseases. Last evaluated: 2023-04-12. Review status: criteria provided, single submitter. Criteria: Ambry Variant Classification Scheme 2023. Collection method: clinical testing. Allele origin: germline.